The following is an entry in ClinVar:

ClinVar aggregate classification (germline): Uncertain significance (1 of 4 stars; one submission).

Conditions:
Hereditary cancer-predisposing syndrome. Also called: Tumor predisposition; Hereditary neoplastic syndrome; Hereditary Cancer Syndrome; Neoplastic Syndromes, Hereditary. Identifiers: Orphanet 140162, MedGen C0027672, MeSH D009386, MONDO:0015356.

Submission:

Ambry Genetics
Classification: Uncertain significance for Hereditary cancer-predisposing syndrome. Last evaluated: 2025-04-30. Review status: criteria provided, single submitter. Criteria: Ambry Variant Classification Scheme 2023. Collection method: clinical testing. Allele origin: germline.
Comment: The c.2640-3delC intronic variant is located 3 nucleotides before coding exon 23 of the TSC2 gene. This variant results from a deletion of one nucleotide at position c.2640-3. This nucleotide position is not well conserved in available vertebrate species. In silico splice site analysis predicts that this alteration will not have any significant effect on splicing. Based on the available evidence, the clinical significance of this variant remains unclear.

NM_000548.5(TSC2):c.2640-3del

Gene: TSC2 (TSC complex subunit 2; plus strand). Cytogenetic location: 16p13.3.
Variant type: Deletion.
Coding change: c.2640-3del on transcript NM_000548.5 (MANE Select); 3 bases into the intron before coding-DNA position 2640, one base deleted (C; older notation c.2640-3delC).
Molecular consequence: intron variant.
Genome position (GRCh38, 1-based): chr16:2,076,065, C deleted. VCF-style (leftmost placement, unchanged base first): chr16-2076064-TC-T. GRCh37 (hg19) VCF-style: chr16-2126065-TC-T.
Other names: c.1296-3del (NM_001406689.1, NM_001406690.1, NM_001406692.1 and 6 more transcripts); c.1038-3del (NM_001406698.1); c.2640-3del (NM_001114382.3, NM_001406663.1, NM_001406664.1 and 6 more transcripts); c.2628-3del (NM_001406671.1, NM_001406673.1); c.2178-3del (NM_001406681.1); c.2529-3del (NM_001406670.1, NM_001318827.2, NM_001406678.1); c.2040-3del (NM_001406682.1, NM_001406684.1, NM_001406685.1 and 6 more transcripts); c.2583-3del (NM_001406677.1); and 3 more.
Identifiers: ClinVar variation 3974640 (VCV003974640.1).